The following is an entry in ClinVar:

ClinVar aggregate classification (germline): Benign/Likely benign. Review status: criteria provided, multiple submitters, no conflicts (2 of 4 stars). 3 submissions from 3 submitters: Benign (2); Likely benign (1). Last evaluated 2024-09-02.

Conditions:
Leigh syndrome (NULS). Also called: Leigh Syndrome (mtDNA deletion); Leigh Disease; Subacute necrotizing encephalopathy; Necrotizing encephalopathy infantile subacute of Leigh; LEIGH SYNDROME, NUCLEAR; Leigh's necrotizing encephalopathy. Identifiers: Orphanet 506, MedGen C2931891, MONDO:0009723, OMIM 256000.

Submissions (3):

Labcorp Genetics (formerly Invitae), Labcorp
Classification: Likely benign for Leigh syndrome. Last evaluated: 2024-09-02. Review status: criteria provided, single submitter. Criteria: Invitae Variant Classification Sherloc (09022015). Collection method: clinical testing. Allele origin: germline.

Women's Health and Genetics/Laboratory Corporation of America, LabCorp
Classification: Benign. Last evaluated: 2017-06-06. Review status: criteria provided, single submitter. Criteria: LabCorp Variant Classification Summary - May 2015. Collection method: clinical testing. Allele origin: germline.
Comment: Variant summary: The c.54+45_54+51delGGGTGCG in SURF1 gene is an intronic variant that leads to deletion of 7 non-conserved nucleotides located at positions not widely known to affect splicing. 4/5 in silico tools predict no major impact on splicing, however these predictions have yet to be confirmed by functional studies. This variant was observed in the large and broad cohorts of the ExAC project at an allele frequency of 0.03704 (58/1556 chrs tested), predominantly in individuals of South Asian ancestry (0.04746 (56/1180 chrs tested, including 5 homozygotes). The observed frequency exceeds the maximal expected allele frequency of a disease causing allele (0.00177) indicating that it is a polymorphism. The low number of chrs tested in ExAC is due to the variant being located within hyperpolymorphic repeated region. The variant has not, to our knowledge been reported in the affected individuals via published reports or cited by a reputable database/diagnostic center. Taking together, the variant was classified as Benign based on the frequency in general population.

GeneDx
Classification: Benign. Last evaluated: 2015-03-03. Review status: criteria provided, single submitter. Criteria: GeneDx Variant Classification Process June 2021. Collection method: clinical testing. Allele origin: germline. Affected: yes.

NM_003172.4(SURF1):c.54+13TGCGGGG[5]

Genes: SURF1 (SURF1 cytochrome c oxidase assembly factor; minus strand), LOC130002899 (ATAC-STARR-seq lymphoblastoid silent region 20452; plus strand). Cytogenetic location: 9q34.2.
Variant type: Microsatellite.
Coding change: c.54+13TGCGGGG[5] on transcript NM_003172.4 (MANE Select); five copies in a row of the 7-base unit TGCGGGG starting at c.54+13; the reference has three copies in a row; two copies, 14 bases duplicated.
Molecular consequence: intron variant.
Genome position (GRCh38, 1-based): chr9:133,356,367-133,356,380, CCCCGCACCCCGCA duplicated on the plus strand (TGCGGGGTGCGGGG on the coding strand, the reverse complement: SURF1 is on the minus strand); duplicating any 14 consecutive bases within chr9:133,356,367-133,356,390 gives the same sequence; the position shown is the placement nearest the transcript's 3' end. VCF-style (leftmost placement, unchanged base first): chr9-133356366-G-GCCCCGCACCCCGCA. GRCh37 (hg19) VCF-style: chr9-136223221-G-GCCCCGCACCCCGCA.
Other names: c.-222+13TGCGGGG[5] (NM_001280787.1).
Identifiers: ClinVar variation 496202 (VCV000496202.6), dbSNP rs3041852, ClinGen allele CA860712346.